The following is an entry in ClinVar:

ClinVar aggregate classification (germline): Uncertain significance (1 of 4 stars; one submission).

Conditions:
Inborn genetic diseases. Identifiers: MedGen C0950123, MeSH D030342.

gnomAD v4.1: 3 of 1,551,480 alleles (0.00019%); highest among the groups gnomAD compares: African/African-American, 0.0041%; no homozygotes.

Submission:

Ambry Genetics
Classification: Uncertain significance for Inborn genetic diseases. Last evaluated: 2026-09-08. Review status: criteria provided, single submitter. Criteria: Ambry Variant Classification Scheme 2023. Collection method: clinical testing. Allele origin: germline.
Comment: The p.G651R variant (also known as c.1951G>C), located in coding exon 22 of the FANCA gene, results from a G to C substitution at nucleotide position 1951. The glycine at codon 651 is replaced by arginine, an amino acid with dissimilar properties. This amino acid position is conserved. In addition, the in silico prediction for this alteration is inconclusive. Based on the available evidence, the clinical significance of this variant remains unclear.

NM_000135.4(FANCA):c.1951G>C (p.Gly651Arg)

Gene: FANCA (FA complementation group A; minus strand). Cytogenetic location: 16q24.3.
Variant type: single nucleotide variant.
Coding change: c.1951G>C on transcript NM_000135.4 (MANE Select); coding-DNA position 1951, G replaced by C.
Protein change: p.Gly651Arg; replaces glycine 651 with arginine.
Molecular consequence: missense variant.
Genome position (GRCh38, 1-based): chr16:89,773,334, C>G on the plus strand (G>C on the coding strand, the complement: FANCA is on the minus strand). VCF-style: chr16-89773334-C-G. GRCh37 (hg19) VCF-style: chr16-89839742-C-G.
Other names: c.1951G>C, p.Gly651Arg (NM_001286167.3); short protein forms G651R.
Identifiers: ClinVar variation 5036445 (VCV005036445.1).